The following is an entry in ClinVar:

NM_000089.4(COL1A2):c.1966G>A (p.Glu656Lys)

Gene: COL1A2 (collagen type I alpha 2 chain; plus strand). Cytogenetic location: 7q21.3.
Variant type: single nucleotide variant.
Coding change: c.1966G>A on transcript NM_000089.4 (MANE Select); coding-DNA position 1966, G replaced by A.
Protein change: p.Glu656Lys; replaces glutamic acid 656 with lysine.
Molecular consequence: missense variant.
Genome position (GRCh38, 1-based): chr7:94,417,826, G>A. VCF-style: chr7-94417826-G-A. GRCh37 (hg19) VCF-style: chr7-94047138-G-A.
Other names: p.Glu656Lys; short protein forms E656K.
Identifiers: ClinVar variation 196727 (VCV000196727.31), dbSNP rs794727557, ClinGen allele CA243853.

ClinVar aggregate classification (germline): Uncertain significance. Review status: criteria provided, multiple submitters, no conflicts (2 of 4 stars). 3 submissions from 3 submitters: Uncertain significance (3). Last evaluated 2023-09-13.

Allele frequency attached by ClinVar (database versions not stated): gnomAD exomes below 0.00001; TOPMed below 0.00001.
gnomAD v4.1: 1 of 1,595,044 alleles (0.000063%); highest among the groups gnomAD compares: Non-Finnish European, 0.000085%; no homozygotes.

Submissions (3):

Mayo Clinic Laboratories, Mayo Clinic
Classification: Uncertain significance. Last evaluated: 2023-09-13. Review status: criteria provided, single submitter. Criteria: ACMG Guidelines, 2015. Collection method: clinical testing. Allele origin: germline. Observed: 1 variant allele.
Comment: PM2

CeGaT Center for Human Genetics Tuebingen
Classification: Uncertain significance. Last evaluated: 2023-06-01. Review status: criteria provided, single submitter. Criteria: CeGaT Center For Human Genetics Tuebingen Variant Classification Criteria Version 2. Collection method: clinical testing. Allele origin: germline. Affected: yes. Observed: 1 variant allele.
Comment: COL1A2: PM2

Eurofins Ntd Llc (ga)
Classification: Uncertain significance. Last evaluated: 2015-01-20. Review status: criteria provided, single submitter. Criteria: EGL Classification Definitions 2015. Collection method: clinical testing. Allele origin: germline. Observed: 1 variant allele, 1 heterozygote.